The following is an entry in ClinVar:

NM_001378778.1(MPDZ):c.1974C>T (p.His658=)

Gene: MPDZ (multiple PDZ domain crumbs cell polarity complex component; minus strand). Cytogenetic location: 9p23.
Variant type: single nucleotide variant.
Coding change: c.1974C>T on transcript NM_001378778.1 (MANE Select); coding-DNA position 1974, C replaced by T.
Protein change: p.His658=; no amino-acid change (histidine 658 retained).
Molecular consequence: synonymous variant.
Genome position (GRCh38, 1-based): chr9:13,190,294, G>A on the plus strand (C>T on the coding strand, the complement: MPDZ is on the minus strand). VCF-style: chr9-13190294-G-A. GRCh37 (hg19) VCF-style: chr9-13190293-G-A.
Other names: c.1974C>T (NM_003829.4); c.1974C>T, p.His658= (NM_001261407.2, NM_001330637.2, NM_001375413.1 and 14 more transcripts).
Identifiers: ClinVar variation 2713027 (VCV002713027.5), dbSNP rs527271402, ClinGen allele CA4987602.

ClinVar aggregate classification (germline): Likely benign. Review status: criteria provided, single submitter (1 of 4 stars). 2 submissions from 2 submitters: Likely benign (1). 1 of the submissions does not count toward it. Last evaluated 2024-04-08.

Conditions:
MPDZ-related disorder. Also called: MPDZ-related condition.

Allele frequency attached by ClinVar (database versions not stated): ExAC 0.00013; 1000 Genomes Project 30x 0.00016; 1000 Genomes Project 0.00020.
gnomAD v4.1: 60 of 1,570,912 alleles (0.0038%); highest among the groups gnomAD compares: South Asian, 0.07%; no homozygotes.

Submissions (2):

Labcorp Genetics (formerly Invitae), Labcorp
Classification: Likely benign. Last evaluated: 2024-04-08. Review status: criteria provided, single submitter. Criteria: Invitae Variant Classification Sherloc (09022015). Collection method: clinical testing. Allele origin: germline.

PreventionGenetics, part of Exact Sciences
Classification: Likely benign for MPDZ-related condition. Last evaluated: 2019-02-20. Review status: no assertion criteria provided. Collection method: clinical testing. Allele origin: germline. Not counted in ClinVar's aggregate classification.
Comment: This variant is classified as likely benign based on ACMG/AMP sequence variant interpretation guidelines (Richards et al. 2015 PMID: 25741868, with internal and published modifications).